The following is an entry in ClinVar:

ClinVar aggregate classification (germline): Uncertain significance. Review status: criteria provided, multiple submitters, no conflicts (2 of 4 stars). 3 submissions from 3 submitters: Uncertain significance (3). Last evaluated 2024-05-30.

Conditions:
Familial adenomatous polyposis 1 (FAP1). Also called: FAMILIAL ADENOMATOUS POLYPOSIS 1, ATTENUATED; POLYPOSIS, ADENOMATOUS INTESTINAL. Identifiers: MedGen C2713442, MONDO:0021056, OMIM 175100. Disease mechanism: loss of function.
Classic or attenuated familial adenomatous polyposis. Identifiers: MedGen CN372698, MONDO:0021057.
Hereditary cancer-predisposing syndrome. Also called: Tumor predisposition; Neoplastic Syndromes, Hereditary; Hereditary Cancer Syndrome; Hereditary neoplastic syndrome. Identifiers: Orphanet 140162, MedGen C0027672, MeSH D009386, MONDO:0015356.

Submissions (3):

All of Us Research Program, National Institutes of Health
Classification: Uncertain significance for Classic or attenuated familial adenomatous polyposis. Last evaluated: 2024-05-30. Review status: criteria provided, single submitter. Criteria: ACMG Guidelines, 2015. Collection method: clinical testing. Allele origin: germline. Inheritance: Autosomal dominant inheritance. Observed: 2 variant alleles, 2 heterozygotes.
Comment: This missense variant replaces serine with alanine at codon 1681 of the APC protein. Computational prediction suggests that this variant may not impact protein structure and function (internally defined REVEL score threshold <= 0.5, PMID: 27666373). To our knowledge, functional studies have not been reported for this variant. This variant has not been reported in individuals affected with APC-related disorders in the literature. This variant has not been identified in the general population by the Genome Aggregation Database (gnomAD). The available evidence is insufficient to determine the role of this variant in disease conclusively. Therefore, this variant is classified as a Variant of Uncertain Significance.

This study involves interpretation of variants in research participants for the purpose of population health screening. Participant phenotype was not available at the time of variant classification. Additional details can be found in publication PMID: 35346344, PMCID: PMC8962531

Ambry Genetics
Classification: Uncertain significance for Hereditary cancer-predisposing syndrome. Last evaluated: 2023-04-09. Review status: criteria provided, single submitter. Criteria: Ambry Variant Classification Scheme 2023. Collection method: clinical testing. Allele origin: germline.
Comment: The p.S1681A variant (also known as c.5041T>G), located in coding exon 15 of the APC gene, results from a T to G substitution at nucleotide position 5041. The serine at codon 1681 is replaced by alanine, an amino acid with similar properties. This amino acid position is conserved. In addition, in silico predictors for this gene do not accurately predict pathogenicity. Since supporting evidence is limited at this time, the clinical significance of this alteration remains unclear.

Labcorp Genetics (formerly Invitae), Labcorp
Classification: Uncertain significance for Familial adenomatous polyposis 1. Last evaluated: 2022-06-28. Review status: criteria provided, single submitter. Criteria: Invitae Variant Classification Sherloc (09022015). Collection method: clinical testing. Allele origin: germline.
Comment: This sequence change replaces serine, which is neutral and polar, with alanine, which is neutral and non-polar, at codon 1681 of the APC protein (p.Ser1681Ala). This variant is not present in population databases (gnomAD no frequency). This variant has not been reported in the literature in individuals affected with APC-related conditions. Algorithms developed to predict the effect of missense changes on protein structure and function output the following: SIFT: "Tolerated"; PolyPhen-2: "Benign"; Align-GVGD: "Class C0". The alanine amino acid residue is found in multiple mammalian species, which suggests that this missense change does not adversely affect protein function. In summary, the available evidence is currently insufficient to determine the role of this variant in disease. Therefore, it has been classified as a Variant of Uncertain Significance.

NM_000038.6(APC):c.5041T>G (p.Ser1681Ala)

Gene: APC (APC regulator of Wnt signaling pathway; plus strand). Cytogenetic location: 5q22.2.
Variant type: single nucleotide variant.
Coding change: c.5041T>G on transcript NM_000038.6 (MANE Select); coding-DNA position 5041, T replaced by G.
Protein change: p.Ser1681Ala; replaces serine 1681 with alanine.
Molecular consequence: missense variant.
Genome position (GRCh38, 1-based): chr5:112,840,635, T>G. VCF-style: chr5-112840635-T-G. GRCh37 (hg19) VCF-style: chr5-112176332-T-G.
Other names: c.5041T>G (NM_000038.5); c.5041T>G, p.Ser1681Ala (NM_001127510.3, NM_001354895.2, NM_001407450.1); c.4987T>G, p.Ser1663Ala (NM_001127511.3); c.5095T>G, p.Ser1699Ala (NM_001354896.2, NM_001407447.1, NM_001407448.1 and 1 more transcripts); c.5071T>G, p.Ser1691Ala (NM_001354897.2); c.4966T>G, p.Ser1656Ala (NM_001354898.2); c.4957T>G, p.Ser1653Ala (NM_001354899.2); c.4918T>G, p.Ser1640Ala (NM_001354900.2); and 12 more; short protein forms S1297A, S1580A, S1640A, S1653A, S1671A, S1674A, S1521A, S1555A.
Identifiers: ClinVar variation 2011743 (VCV002011743.7), dbSNP rs2149930518, ClinGen allele CA16032357.